The following is an entry in ClinVar:

ClinVar aggregate classification (germline): Uncertain significance (1 of 4 stars; one submission).

Conditions:
DNA ligase IV deficiency. Identifiers: Orphanet 99812, MedGen C1847827, MONDO:0011686, OMIM 606593.

Submission:

Labcorp Genetics (formerly Invitae), Labcorp
Classification: Uncertain significance for DNA ligase IV deficiency. Last evaluated: 2023-01-17. Review status: criteria provided, single submitter. Criteria: Invitae Variant Classification Sherloc (09022015). Collection method: clinical testing. Allele origin: germline.
Comment: In summary, the available evidence is currently insufficient to determine the role of this variant in disease. Therefore, it has been classified as a Variant of Uncertain Significance. Advanced modeling of protein sequence and biophysical properties (such as structural, functional, and spatial information, amino acid conservation, physicochemical variation, residue mobility, and thermodynamic stability) performed at Invitae indicates that this missense variant is expected to disrupt LIG4 protein function. This variant has not been reported in the literature in individuals affected with LIG4-related conditions. This variant is not present in population databases (gnomAD no frequency). This sequence change replaces lysine, which is basic and polar, with methionine, which is neutral and non-polar, at codon 169 of the LIG4 protein (p.Lys169Met).

NM_206937.2(LIG4):c.506A>T (p.Lys169Met)

Gene: LIG4 (DNA ligase 4; minus strand). Cytogenetic location: 13q33.3.
Variant type: single nucleotide variant.
Coding change: c.506A>T on transcript NM_206937.2 (MANE Select); coding-DNA position 506, A replaced by T.
Protein change: p.Lys169Met; replaces lysine 169 with methionine.
Molecular consequence: missense variant.
Genome position (GRCh38, 1-based): chr13:108,210,763, T>A on the plus strand (A>T on the coding strand, the complement: LIG4 is on the minus strand). VCF-style: chr13-108210763-T-A. GRCh37 (hg19) VCF-style: chr13-108863111-T-A.
Other names: c.506A>T, p.Lys169Met (NM_001098268.2, NM_001352598.2, NM_001352599.2 and 6 more transcripts); c.305A>T, p.Lys102Met (NM_001330595.2); c.542A>T, p.Lys181Met (NM_001352604.2); short protein forms K102M, K169M, K181M.
Identifiers: ClinVar variation 2829581 (VCV002829581.3), dbSNP rs2501622287, ClinGen allele CA388622345.